The following is an entry in ClinVar:

NM_020877.5(DNAH2):c.3868C>G (p.Arg1290Gly)

Gene: DNAH2 (dynein axonemal heavy chain 2; plus strand). Cytogenetic location: 17p13.1.
Variant type: single nucleotide variant.
Coding change: c.3868C>G on transcript NM_020877.5 (MANE Select); coding-DNA position 3868, C replaced by G.
Protein change: p.Arg1290Gly; replaces arginine 1290 with glycine.
Molecular consequence: missense variant.
Genome position (GRCh38, 1-based): chr17:7,768,194, C>G. VCF-style: chr17-7768194-C-G. GRCh37 (hg19) VCF-style: chr17-7671512-C-G.
Other names: short protein forms R1290G.
Identifiers: ClinVar variation 5035454 (VCV005035454.1).
Genomic context (GRCh38, chr17:7,768,194, plus strand): 5'-GGTCTTCTCATGCCCCCAACTTTTGCTCAGGACCGAAACTGGGAAATTATTGAAACCACT[C>G]GCTCAAAAATAGAGCAGTTCAAGAGGACCATGCCTCTCATCTCAGACCTGCGGAACCCTG-3'
Protein context (NP_065928.2, residues 1280-1300): DRNWEIIETT[Arg1290Gly]SKIEQFKRTM

ClinVar aggregate classification (germline): Uncertain significance (1 of 4 stars; one submission).

Conditions:
Inborn genetic diseases. Identifiers: MedGen C0950123, MeSH D030342.

gnomAD v4.1: 15 of 1,614,162 alleles (0.00093%); highest among the groups gnomAD compares: Non-Finnish European, 0.0012%; no homozygotes.

Submission:

Ambry Genetics
Classification: Uncertain significance for Inborn genetic diseases. Last evaluated: 2026-07-23. Review status: criteria provided, single submitter. Criteria: Ambry Variant Classification Scheme 2023. Collection method: clinical testing. Allele origin: germline.
Comment: The c.3868C>G (p.R1290G) alteration is located in exon 23 (coding exon 23) of the DNAH2 gene. This alteration results from a C to G substitution at nucleotide position 3868, causing the arginine (R) at amino acid position 1290 to be replaced by a glycine (G). Based on data from gnomAD, the G allele has an overall frequency of <0.001% (1/251486) total alleles studied. The highest observed frequency was 0.001% (1/113762) of European (non-Finnish) alleles. Based on insufficient or conflicting evidence, the clinical significance of this alteration remains unclear.